The following is an entry in ClinVar:

ClinVar aggregate classification (germline): Uncertain significance. Review status: criteria provided, multiple submitters, no conflicts (2 of 4 stars). 2 submissions from 2 submitters: Uncertain significance (2). Last evaluated 2024-12-04.

Conditions:
Long QT syndrome (LQTS). Identifiers: MedGen C0023976, MeSH D008133, MONDO:0002442. Disease mechanism: loss of function. Inheritance: Various modes of inheritance.

Allele frequency attached by ClinVar (database versions not stated): gnomAD exomes below 0.00001.
gnomAD v4.1: 1 of 1,613,096 alleles (0.000062%); highest among the groups gnomAD compares: Non-Finnish European, 0.000085%; no homozygotes.

Submissions (2):

Labcorp Genetics (formerly Invitae), Labcorp
Classification: Uncertain significance for Long QT syndrome. Last evaluated: 2024-12-04. Review status: criteria provided, single submitter. Criteria: Invitae Variant Classification Sherloc (09022015). Collection method: clinical testing. Allele origin: germline.
Comment: This sequence change replaces arginine, which is basic and polar, with glutamine, which is neutral and polar, at codon 425 of the CACNA1C protein (p.Arg425Gln). This variant is present in population databases (no rsID available, gnomAD 0.0009%). This variant has not been reported in the literature in individuals affected with CACNA1C-related conditions. ClinVar contains an entry for this variant (Variation ID: 1327693). Invitae Evidence Modeling of protein sequence and biophysical properties (such as structural, functional, and spatial information, amino acid conservation, physicochemical variation, residue mobility, and thermodynamic stability) indicates that this missense variant is expected to disrupt CACNA1C protein function with a positive predictive value of 80%. In summary, the available evidence is currently insufficient to determine the role of this variant in disease. Therefore, it has been classified as a Variant of Uncertain Significance.

GeneDx
Classification: Uncertain significance. Last evaluated: 2021-05-27. Review status: criteria provided, single submitter. Criteria: GeneDx Variant Classification Process June 2021. Collection method: clinical testing. Allele origin: germline. Affected: yes.
Comment: Not observed at significant frequency in large population cohorts (Lek et al., 2016); In silico analysis supports that this missense variant has a deleterious effect on protein structure/function; Has not been previously published as pathogenic or benign to our knowledge; This variant is associated with the following publications: (PMID: 27535533)

NM_000719.7(CACNA1C):c.1274G>A (p.Arg425Gln)

Gene: CACNA1C (calcium voltage-gated channel subunit alpha1 C; plus strand). Cytogenetic location: 12p13.33.
Variant type: single nucleotide variant.
Coding change: c.1274G>A on transcript NM_000719.7 (MANE Select); coding-DNA position 1274, G replaced by A.
Protein change: p.Arg425Gln; replaces arginine 425 with glutamine.
Molecular consequence: missense variant.
Genome position (GRCh38, 1-based): chr12:2,512,868, G>A. VCF-style: chr12-2512868-G-A. GRCh37 (hg19) VCF-style: chr12-2622034-G-A.
Other names: c.1274G>A, p.Arg425Gln (NM_001129827.2, NM_001129829.2, NM_001167624.3 and 18 more transcripts); c.1265G>A, p.Arg422Gln (NM_001129844.2); short protein forms R422Q, R425Q.
Identifiers: ClinVar variation 1327693 (VCV001327693.4), dbSNP rs1430516663, ClinGen allele CA383367014.
Genomic context (GRCh38, chr12:2,512,868, plus strand): 5'-CCAGAGAGTTTTCCAAAGAGAGGGAGAAGGCCAAGGCCCGGGGAGATTTCCAGAAGCTGC[G>A]GGAGAAGCAGCAGCTAGAAGAGGATCTCAAAGGCTACCTGGATTGGATCACTCAGGCCGA-3'
Protein context (NP_000710.5, residues 415-435): AKARGDFQKL[Arg425Gln]EKQQLEEDLK